The following is an entry in ClinVar:

NM_007294.4(BRCA1):c.122A>C (p.His41Pro)

Gene: BRCA1 (BRCA1 DNA repair associated; minus strand). Cytogenetic location: 17q21.31.
Variant type: single nucleotide variant.
Coding change: c.122A>C on transcript NM_007294.4 (MANE Select); coding-DNA position 122, A replaced by C.
Protein change: p.His41Pro; replaces histidine 41 with proline.
Molecular consequence: missense variant. On other transcripts: non-coding transcript variant (1), intron variant (1).
Genome position (GRCh38, 1-based): chr17:43,115,738, T>G on the plus strand (A>C on the coding strand, the complement: BRCA1 is on the minus strand). VCF-style: chr17-43115738-T-G. GRCh37 (hg19) VCF-style: chr17-41267755-T-G.
Other names: c.-67A>C (NM_001407571.1, NM_001407853.1, NM_001407879.1 and 52 more transcripts); c.122A>C, p.His41Pro (NM_001407581.1, NM_001407582.1, NM_001407583.1 and 192 more transcripts); c.-136A>C (NM_001407694.1, NM_001407696.1, NM_001407724.1 and 13 more transcripts); c.-140A>C (NM_001407695.1, NM_001408465.1); c.-20A>C (NM_001407697.1, NM_001407725.1, NM_001407728.1 and 47 more transcripts); c.-16A>C (NM_001407841.1); c.-183A>C (NM_001407889.1, NM_001407900.1, NM_001408492.1); c.-182A>C (NM_001407960.1, NM_001407962.1, NM_001408510.1 and 1 more transcripts); and 2 more; short protein forms H41P.
Identifiers: ClinVar variation 865142 (VCV000865142.3), dbSNP rs80357276, ClinGen allele CA10601914.

Conditions:
Breast-ovarian cancer, familial, susceptibility to, 1 (BROVCA1). Also called: BRCA1 Hereditary Breast and Ovarian Cancer; OVARIAN CANCER, SUSCEPTIBILITY TO. Identifiers: Orphanet 145, MedGen C2676676, MONDO:0011450, OMIM 604370. Disease mechanism: loss of function.

Submission:

Brotman Baty Institute, University of Washington
No classification provided (evidence only). Condition: Breast-ovarian cancer, familial 1. Review status: no classification provided. Collection method: in vitro. Allele origin: not applicable. Functional consequence: functionally_abnormal.
ClinVar note: "not provided" was previously submitted as the classification for the variant. However, the classification appeared to be based only on an observation of functional data so it was converted to no classification on 2025-07-30.